The following is an entry in ClinVar:

NM_002941.4(ROBO1):c.2440_2442+4del

Gene: ROBO1 (roundabout guidance receptor 1; minus strand). Cytogenetic location: 3p12.3.
Variant type: Deletion.
Coding change: c.2440_2442+4del on transcript NM_002941.4 (MANE Select); coding-DNA position 2440 through 4 bases into the intron after coding-DNA position 2442, 7 bases deleted (AAGGTAT; older notation c.2440_2442+4delAAGGTAT).
Molecular consequence: splice donor variant.
Genome position (GRCh38, 1-based): chr3:78,659,682-78,659,688, ATACCTT deleted on the plus strand (AAGGTAT on the coding strand, the reverse complement: ROBO1 is on the minus strand); deleting any 7 consecutive bases within chr3:78,659,682-78,659,692 gives the same sequence; the c. name uses the placement nearest the transcript's 3' end. VCF-style (leftmost placement, unchanged base first): chr3-78659681-CATACCTT-C. GRCh37 (hg19) VCF-style: chr3-78708831-CATACCTT-C.
Other names: c.2332_2334+4del (NM_001145845.2, NM_133631.4).
Identifiers: ClinVar variation 2692578 (VCV002692578.1), dbSNP rs2472101425, ClinGen allele CA2697556776.

ClinVar aggregate classification (germline): Likely pathogenic (1 of 4 stars; one submission).

Conditions:
Pituitary hormone deficiency, combined or isolated, 8 (CPHD8). Identifiers: MedGen C5830375, MONDO:0957208, OMIM 620303.

Submission:

Greenwood Genetic Center Diagnostic Laboratories, Greenwood Genetic Center
Classification: Likely pathogenic for Pituitary hormone deficiency, combined or isolated, 8. Last evaluated: 2023-10-03. Review status: criteria provided, single submitter. Criteria: ACMG Guidelines, 2015. Collection method: clinical testing. Allele origin: germline. Affected: yes.
Comment: PVS1, PM2